The following is an entry in ClinVar:

ClinVar aggregate classification (germline): Pathogenic/Likely pathogenic. Review status: criteria provided, multiple submitters, no conflicts (2 of 4 stars). 4 submissions from 4 submitters: Pathogenic (1); Likely pathogenic (1). 2 of the submissions do not count toward it. Last evaluated 2022-07-15.

Conditions:
Autosomal dominant Robinow syndrome 3. Identifiers: Orphanet 3107, Orphanet 97360, MedGen C4225164, MONDO:0014819, OMIM 616894.
Autosomal dominant Robinow syndrome 1. Also called: FETAL FACE SYNDROME; ACRAL DYSOSTOSIS WITH FACIAL AND GENITAL ABNORMALITIES; Covesdem syndrome (formerly); Costovertebral segmentation defect with mesomelia (formerly); WNT5A-Related Robinow Syndrome, Autosomal Dominant; ROBINOW DWARFISM. Identifiers: Orphanet 3107, Orphanet 97360, MedGen C4551475, MONDO:0024455, OMIM 180700.
Autosomal dominant Robinow syndrome 2. Identifiers: Orphanet 3107, Orphanet 97360, MedGen C4225363, MONDO:0014591, OMIM 616331.

Submissions (4):

Laboratorio de Genetica e Diagnostico Molecular, Hospital Israelita Albert Einstein
Classification: Likely pathogenic for Autosomal dominant Robinow syndrome 3. Last evaluated: 2022-07-15. Review status: criteria provided, single submitter. Criteria: ACMG Guidelines, 2015. Collection method: clinical testing. Allele origin: germline. Affected: yes. Observed: 1 variant allele.
Comment: ACMG classification criteria: PS4 supporting, PM1 moderated, PM2 moderated, PM6 moderated

Lupski Lab, Baylor-Hopkins CMG, Baylor College of Medicine
Classification: Pathogenic for Autosomal dominant Robinow syndrome 1. Last evaluated: 2015-12-01. Review status: criteria provided, single submitter. Criteria: White et al. (AJHG 2016). Collection method: research. Allele origin: de novo. Inheritance: Autosomal dominant inheritance. Affected: yes.

OMIM
Classification: Pathogenic for ROBINOW SYNDROME, AUTOSOMAL DOMINANT 3. Last evaluated: 2026-08-10. Review status: no assertion criteria provided. Collection method: literature only. Allele origin: germline. Not counted in ClinVar's aggregate classification.

GeneReviews
No classification provided. Condition: Autosomal dominant Robinow syndrome 2. Review status: no classification provided. Collection method: literature only. Allele origin: germline. Not counted in ClinVar's aggregate classification.

Literature cited by the submitters: PubMed 26924530 (cited by OMIM).

NM_004423.4(DVL3):c.1715-1G>A

Gene: DVL3 (dishevelled segment polarity protein 3; plus strand). Cytogenetic location: 3q27.1.
Variant type: single nucleotide variant.
Coding change: c.1715-1G>A on transcript NM_004423.4 (MANE Select); the canonical splice acceptor site of the intron before coding-DNA position 1715, G replaced by A.
Molecular consequence: splice acceptor variant.
Genome position (GRCh38, 1-based): chr3:184,170,318, G>A. VCF-style: chr3-184170318-G-A. GRCh37 (hg19) VCF-style: chr3-183888106-G-A.
Other names: IVS14, G-A, -1.
Identifiers: ClinVar variation 219220 (VCV000219220.5), dbSNP rs869025217, ClinGen allele CA356447.